The following is an entry in ClinVar:

ClinVar aggregate classification (germline): Likely pathogenic (0 of 4 stars; one submission).

Conditions:
Meckel syndrome, type 3 (MKS3). Also called: MECKEL-GRUBER SYNDROME, TYPE 3. Identifiers: Orphanet 564, MedGen C1846357, MONDO:0011821, OMIM 607361.

Submission:

Juha Muilu Group; Institute for Molecular Medicine Finland (FIMM)
Classification: Likely pathogenic for Meckel syndrome type 3. Review status: no assertion criteria provided. Collection method: not provided. Allele origin: unknown.
Comment: FinDis database variant: This variant was not found or characterized by our laboratory, data were collected from public sources: see reference
ClinVar note: Converted during submission from probable-pathogenic to Likely pathogenic.

NM_153704.6(TMEM67):c.1065+1del

Gene: TMEM67 (transmembrane protein 67; plus strand). Cytogenetic location: 8q22.1.
Variant type: Deletion.
Coding change: c.1065+1del on transcript NM_153704.6 (MANE Select); the canonical splice donor site of the intron after coding-DNA position 1065, one base deleted (G; older notation c.1065+1delG).
Molecular consequence: splice donor variant.
Genome position (GRCh38, 1-based): chr8:93,781,745, G deleted; the last of 2 consecutive G bases (chr8:93,781,744-93,781,745); deleting either gives the same sequence. VCF-style (leftmost placement, unchanged base first): chr8-93781743-AG-A. GRCh37 (hg19) VCF-style: chr8-94793971-AG-A.
Other names: c.1065+1delG (NM_153704.5); c.822+1del (NM_001142301.1).
Identifiers: ClinVar variation 56763 (VCV000056763.2), dbSNP rs386834181, ClinGen allele CA144434.
Genomic context (GRCh38, chr8:93,781,743, plus strand): 5'-CTTCCTATGATATAAGAGGAAATTTTCTCAAGTGGCAAACTTTAGAAGGAGGTGTTTTAC[AG>A]GTAAGCATGATTCTAGTTAAAGAATTAATAACATGCATTATTTTTGCCTGAGACAAAGCC-3'